The following is an entry in ClinVar:

NM_006206.6(PDGFRA):c.67T>C (p.Cys23Arg)

Gene: PDGFRA (platelet derived growth factor receptor alpha; plus strand). Cytogenetic location: 4q12.
Variant type: single nucleotide variant.
Coding change: c.67T>C on transcript NM_006206.6 (MANE Select); coding-DNA position 67, T replaced by C.
Protein change: p.Cys23Arg; replaces cysteine 23 with arginine.
Molecular consequence: missense variant.
Genome position (GRCh38, 1-based): chr4:54,261,112, T>C. VCF-style: chr4-54261112-T-C. GRCh37 (hg19) VCF-style: chr4-55127279-T-C.
Other names: c.67T>C, p.Cys23Arg (NM_001347827.2, NM_001347829.2); c.142T>C, p.Cys48Arg (NM_001347828.2); c.106T>C, p.Cys36Arg (NM_001347830.2); short protein forms C23R, C36R, C48R.
Identifiers: ClinVar variation 3887346 (VCV003887346.1).

ClinVar aggregate classification (germline): Uncertain significance (1 of 4 stars; one submission).

Conditions:
Hereditary cancer-predisposing syndrome. Also called: Tumor predisposition; Neoplastic Syndromes, Hereditary; Hereditary Cancer Syndrome; Hereditary neoplastic syndrome. Identifiers: Orphanet 140162, MedGen C0027672, MeSH D009386, MONDO:0015356.

Submission:

Ambry Genetics
Classification: Uncertain significance for Hereditary cancer-predisposing syndrome. Last evaluated: 2024-12-21. Review status: criteria provided, single submitter. Criteria: Ambry Variant Classification Scheme 2023. Collection method: clinical testing. Allele origin: germline.
Comment: The p.C23R variant (also known as c.67T>C), located in coding exon 2 of the PDGFRA gene, results from a T to C substitution at nucleotide position 67. The cysteine at codon 23 is replaced by arginine, an amino acid with highly dissimilar properties. This amino acid position is conserved. In addition, this alteration is predicted to be tolerated by in silico analysis. Based on the available evidence, the clinical significance of this variant remains unclear.